The following is an entry in ClinVar:

NM_000497.4(CYP11B1):c.554C>G (p.Thr185Ser)

Genes: CYP11B1 (cytochrome P450 family 11 subfamily B member 1; minus strand), LOC106799833 (CYP11B1 recombination region; plus strand). Cytogenetic location: 8q24.3.
Variant type: single nucleotide variant.
Coding change: c.554C>G on transcript NM_000497.4 (MANE Select); coding-DNA position 554, C replaced by G.
Protein change: p.Thr185Ser; replaces threonine 185 with serine.
Molecular consequence: missense variant.
Genome position (GRCh38, 1-based): chr8:142,877,064, G>C on the plus strand (C>G on the coding strand, the complement: CYP11B1 is on the minus strand). VCF-style: chr8-142877064-G-C. GRCh37 (hg19) VCF-style: chr8-143958480-G-C.
Other names: c.554C>G, p.Thr185Ser (NM_001026213.1); short protein forms T185S.
Identifiers: ClinVar variation 362165 (VCV000362165.19), dbSNP rs566921201, ClinGen allele CA4905406.

ClinVar aggregate classification (germline): Benign/Likely benign. Review status: criteria provided, multiple submitters, no conflicts (2 of 4 stars). 5 submissions from 4 submitters: Benign (2); Likely benign (3). Last evaluated 2026-01-28.

Conditions:
Glucocorticoid-remediable aldosteronism. Also called: Hyperaldosteronism, familial, type I; ACTH-DEPENDENT HYPERALDOSTERONISM SYNDROME; ALDOSTERONISM, SENSITIVE TO DEXAMETHASONE; FH I; GLUCOCORTICOID-SUPPRESSIBLE HYPERALDOSTERONISM. Identifiers: Orphanet 403, MedGen C3838731, MONDO:0007080, OMIM 103900.
Deficiency of steroid 11-beta-monooxygenase (CYP11B1). Also called: ADRENAL HYPERPLASIA, CONGENITAL, DUE TO STEROID 11-BETA-HYDROXYLASE DEFICIENCY; 11-BETA-HYDROXYLASE DEFICIENCY; ADRENAL HYPERPLASIA IV; P450C11B1 DEFICIENCY; STEROID 11-BETA-HYDROXYLASE DEFICIENCY; Congenital adrenal hyperplasia due to 11-beta-hydroxylase deficiency. Identifiers: Orphanet 90795, MedGen C0268292, MONDO:0008729, OMIM 202010. Disease mechanism: loss of function.

Allele frequency attached by ClinVar (database versions not stated): 1000 Genomes Project 0.00020; 1000 Genomes Project 30x 0.00031; gnomAD 0.00035; TOPMed 0.00052; ExAC 0.00156.
gnomAD v4.1: 621 of 1,613,938 alleles (0.038%); highest among the groups gnomAD compares: Admixed American, 1%; 7 homozygotes.

Submissions (5):

Labcorp Genetics (formerly Invitae), Labcorp
Classification: Benign. Last evaluated: 2026-01-28. Review status: criteria provided, single submitter. Criteria: Invitae Variant Classification Sherloc (09022015). Collection method: clinical testing. Allele origin: germline.

Athena Diagnostics
Classification: Likely benign. Last evaluated: 2018-04-03. Review status: criteria provided, single submitter. Criteria: Athena Diagnostics Criteria. Collection method: clinical testing. Allele origin: germline.

Illumina Laboratory Services, Illumina
Classification: Likely benign for Deficiency of steroid 11-beta-monooxygenase. Last evaluated: 2018-01-12. Review status: criteria provided, single submitter. Criteria: ICSL Variant Classification Criteria 13 December 2019. Collection method: clinical testing. Allele origin: germline.
Comment: This variant was observed in the ICSL laboratory as part of a predisposition screen in an ostensibly healthy population. It had not been previously curated by ICSL or reported in the Human Gene Mutation Database (HGMD: prior to June 1st, 2018), and was therefore a candidate for classification through an automated scoring system. Utilizing variant allele frequency, disease prevalence and penetrance estimates, and inheritance mode, an automated score was calculated to assess if this variant is too frequent to cause the disease. Based on the score and internal cut-off values, a variant classified as likely benign is not then subjected to further curation. The score for this variant resulted in a classification of likely benign for this disease.

Illumina Laboratory Services, Illumina
Classification: Benign for Glucocorticoid-remediable aldosteronism. Last evaluated: 2018-01-12. Review status: criteria provided, single submitter. Criteria: ICSL Variant Classification Criteria 13 December 2019. Collection method: clinical testing. Allele origin: germline.
Comment: This variant was observed in the ICSL laboratory as part of a predisposition screen in an ostensibly healthy population. It had not been previously curated by ICSL or reported in the Human Gene Mutation Database (HGMD: prior to June 1st, 2018), and was therefore a candidate for classification through an automated scoring system. Utilizing variant allele frequency, disease prevalence and penetrance estimates, and inheritance mode, an automated score was calculated to assess if this variant is too frequent to cause the disease. Based on the score and internal cut-off values, a variant classified as benign is not then subjected to further curation. The score for this variant resulted in a classification of benign for this disease.

Breakthrough Genomics
Classification: Likely benign. Review status: criteria provided, single submitter. Criteria: ACMG Guidelines, 2015. Collection method: not provided. Allele origin: germline. Inheritance: Autosomal recessive inheritance. Affected: yes.